The following is an entry in ClinVar:

ClinVar aggregate classification (germline): Likely benign (0 of 4 stars; one submission).

Conditions:
RELN-related disorder. Also called: RELN-related condition.

Submission:

PreventionGenetics, part of Exact Sciences
Classification: Likely benign for RELN-related condition. Last evaluated: 2023-11-17. Review status: no assertion criteria provided. Collection method: clinical testing. Allele origin: germline.
Comment: This variant is classified as likely benign based on ACMG/AMP sequence variant interpretation guidelines (Richards et al. 2015 PMID: 25741868, with internal and published modifications).

NM_005045.4(RELN):c.3621G>A (p.Glu1207=)

Gene: RELN (reelin; minus strand). Cytogenetic location: 7q22.1.
Variant type: single nucleotide variant.
Coding change: c.3621G>A on transcript NM_005045.4 (MANE Select); coding-DNA position 3621, G replaced by A.
Protein change: p.Glu1207=; no amino-acid change (glutamic acid 1207 retained).
Molecular consequence: synonymous variant.
Genome position (GRCh38, 1-based): chr7:103,594,411, C>T on the plus strand (G>A on the coding strand, the complement: RELN is on the minus strand). VCF-style: chr7-103594411-C-T. GRCh37 (hg19) VCF-style: chr7-103234858-C-T.
Other names: c.3621G>A, p.Glu1207= (NM_173054.3).
Identifiers: ClinVar variation 3046624 (VCV003046624.2), dbSNP rs2484794305, ClinGen allele CA457024904.